The following is an entry in ClinVar:

NM_003823.4(TNFRSF6B):c.818_832dup (p.Leu277_Gln278insLeuValArgLeuLeu)

Genes: RTEL1-TNFRSF6B (RTEL1-TNFRSF6B readthrough (NMD candidate); plus strand), TNFRSF6B (TNF receptor superfamily member 6b; plus strand). Cytogenetic location: 20q13.33.
Variant type: Duplication.
Coding change: c.818_832dup on transcript NM_003823.4 (MANE Select); coding-DNA positions 818 to 832, 15 bases duplicated (TGGTGCGGCTGCTGC).
Protein change: p.Leu277_Gln278insLeuValArgLeuLeu.
Molecular consequence: inframe insertion. On other transcripts: non-coding transcript variant (1).
Genome position (GRCh38, 1-based): chr20:63,698,478-63,698,492, TGGTGCGGCTGCTGC duplicated; duplicating any 15 consecutive bases within chr20:63,698,473-63,698,492 gives the same sequence; the c. name uses the placement nearest the transcript's 3' end. VCF-style (leftmost placement, unchanged base first): chr20-63698472-C-CGCTGCTGGTGCGGCT. GRCh37 (hg19) VCF-style: chr20-62329825-C-CGCTGCTGGTGCGGCT.
Identifiers: ClinVar variation 3344130 (VCV003344130.1).

ClinVar aggregate classification (germline): Uncertain significance (0 of 4 stars; one submission).

Conditions:
TNFRSF6B-related disorder. Also called: TNFRSF6B-related condition.

Submission:

PreventionGenetics, part of Exact Sciences
Classification: Uncertain significance for TNFRSF6B-related condition. Last evaluated: 2024-04-18. Review status: no assertion criteria provided. Collection method: clinical testing. Allele origin: germline.
Comment: The TNFRSF6B c.818_832dup15 variant is predicted to result in an in-frame duplication (p.Leu273_Leu277dup). To our knowledge, this variant has not been reported in the literature or in a large population database, indicating this variant is rare. At this time, the clinical significance of this variant is uncertain due to the absence of conclusive functional and genetic evidence.